The following is an entry in ClinVar:

ClinVar aggregate classification (germline): Conflicting classifications of pathogenicity. Review status: criteria provided, conflicting classifications (1 of 4 stars). 2 submissions from 2 submitters: Uncertain significance (1); Likely benign (1). Last evaluated 2026-01-12.

Conditions:
Hereditary cancer-predisposing syndrome. Also called: Tumor predisposition; Hereditary Cancer Syndrome; Hereditary neoplastic syndrome; Neoplastic Syndromes, Hereditary. Identifiers: Orphanet 140162, MedGen C0027672, MeSH D009386, MONDO:0015356.
Hereditary breast ovarian cancer syndrome. Also called: Hereditary breast and/or ovarian cancer syndrome; Hereditary breast and ovarian cancer syndrome; Breast and ovarian cancer; Hereditary breast and ovarian cancer; BRCA1- and BRCA2-Associated Hereditary Breast and Ovarian Cancer; Hereditary breast and ovarian cancer syndrome (HBOC). Identifiers: Orphanet 145, MedGen C0677776, MeSH D061325, MONDO:0003582. Disease mechanism: loss of function.

Submissions (2):

Ambry Genetics
Classification: Likely benign for Hereditary cancer-predisposing syndrome. Last evaluated: 2026-01-12. Review status: criteria provided, single submitter. Criteria: Ambry Variant Classification Scheme 2023. Collection method: clinical testing. Allele origin: germline.

Labcorp Genetics (formerly Invitae), Labcorp
Classification: Uncertain significance for Hereditary breast ovarian cancer syndrome. Last evaluated: 2024-12-17. Review status: criteria provided, single submitter. Criteria: Invitae Variant Classification Sherloc (09022015). Collection method: clinical testing. Allele origin: germline.
Comment: This sequence change replaces valine, which is neutral and non-polar, with leucine, which is neutral and non-polar, at codon 220 of the BRCA2 protein (p.Val220Leu). This variant is not present in population databases (gnomAD no frequency). This variant has not been reported in the literature in individuals affected with BRCA2-related conditions. ClinVar contains an entry for this variant (Variation ID: 2751206). Invitae Evidence Modeling of protein sequence and biophysical properties (such as structural, functional, and spatial information, amino acid conservation, physicochemical variation, residue mobility, and thermodynamic stability) indicates that this missense variant is not expected to disrupt BRCA2 protein function with a negative predictive value of 95%. In summary, the available evidence is currently insufficient to determine the role of this variant in disease. Therefore, it has been classified as a Variant of Uncertain Significance.

NM_000059.4(BRCA2):c.658G>C (p.Val220Leu)

Gene: BRCA2 (BRCA2 DNA repair associated; plus strand). Cytogenetic location: 13q13.1.
Variant type: single nucleotide variant.
Coding change: c.658G>C on transcript NM_000059.4 (MANE Select); coding-DNA position 658, G replaced by C.
Protein change: p.Val220Leu; replaces valine 220 with leucine.
Molecular consequence: missense variant. On other transcripts: non-coding transcript variant (1).
Genome position (GRCh38, 1-based): chr13:32,329,469, G>C. VCF-style: chr13-32329469-G-C. GRCh37 (hg19) VCF-style: chr13-32903606-G-C.
Other names: c.658G>C, p.Val220Leu (NM_001406719.1, NM_001406720.1, NM_001406721.1); c.289G>C, p.Val97Leu (NM_001406722.1); short protein forms V220L, V97L.
Identifiers: ClinVar variation 2751206 (VCV002751206.4), dbSNP rs2137458310, ClinGen allele CA387759454.
Genomic context (GRCh38, chr13:32,329,469, plus strand): 5'-TAATATACAATACACATAAATTTTTATCTTACAGTCAGAAATGAAGAAGCATCTGAAACT[G>C]TATTTCCTCATGATACTACTGCTGTAAGTAAATATGACATTGATTAGACTGTTGAAATTG-3'
Protein context (NP_000050.3, residues 210-230): IVRNEEASET[Val220Leu]FPHDTTANVK